The following is an entry in ClinVar:

ClinVar aggregate classification (germline): Uncertain significance (1 of 4 stars; one submission).

Conditions:
Osteogenesis imperfecta with normal sclerae, dominant form (OI4). Also called: Osteogenesis Imperfecta Type IV; Common Variable Osteogenesis Imperfecta with Normal Sclerae; OSTEOGENESIS IMPERFECTA WITH NORMAL SCLERAE; Osteogenesis imperfecta type 4; OSTEOGENESIS IMPERFECTA, TYPE IV, WITH DENTINOGENESIS IMPERFECTA. Identifiers: Orphanet 216820, Orphanet 666, MedGen C0268363, MONDO:0008148, OMIM 166220.
Osteogenesis imperfecta, perinatal lethal (OI2). Also called: OSTEOGENESIS IMPERFECTA, TYPE II; Osteogenesis imperfecta type 2; OI, TYPE II; OSTEOGENESIS IMPERFECTA CONGENITA; VROLIK TYPE OF OSTEOGENESIS IMPERFECTA; Osteogenesis imperfecta, dominant perinatal lethal. Identifiers: Orphanet 216804, MedGen C0268358, MONDO:0008147, OMIM 166210.
Osteogenesis imperfecta type III (OI3). Also called: Osteogenesis imperfecta type 3; OI type 3; Osteogenesis imperfecta, progressively deforming with normal sclerae; OI type III; Progressively Deforming Osteogenesis Imperfecta. Identifiers: Orphanet 216812, Orphanet 666, MedGen C0268362, MONDO:0009804, OMIM 259420.
Combined osteogenesis imperfecta and Ehlers-Danlos syndrome 2. Also called: OIEDS SYNDROME 2. Identifiers: MedGen C5436847, MONDO:0030855, OMIM 619120.

Submission:

New York Genome Center
Classification: Uncertain significance for Combined osteogenesis imperfecta and Ehlers-Danlos syndrome 2; Osteogenesis imperfecta, perinatal lethal; Osteogenesis imperfecta type III; Osteogenesis imperfecta with normal sclerae, dominant form. Last evaluated: 2023-05-25. Review status: criteria provided, single submitter. Criteria: NYGC Assertion Criteria 2020. Collection method: clinical testing. Allele origin: inherited. Affected: yes. Observed: 1 variant allele, 1 heterozygote.
Comment: The c.1324G>T, p.(Gly442Trp) variant identified in the COL1A2 gene replaces a highly conserved Glycine with Tryptophan at amino acid 442/1367 (exon 23/52). This variant affects a Glycine residue within a Gly-X-Y repeat of the triple helical domain of COL1A2, which is a known mechanism ofdisease for COL1A2 associated disorders [PMID:20301472]. This variant is absent from population databases (gnomADv2.1, gnomADv3.1.2, BRAVO-TOPMed, All ofUs) suggesting it is not a common benign variant in the populations represented in those databases. In silico algorithms predict this variant to have a damaging effect to the function of the protein (REVEL=0.979). The c.1324G>T, p.(Gly442Trp) variant is absent from ClinVar, however a different missense change at the same amino acid, p.Gly442Arg is reported there as Pathogenic [VarID:526882] and other variants affecting Glycine residues in the Gly-X-Y repeats within this exon are alsoreported in ClinVar as Pathogenic/Likely Pathogenic [VarIDs:800487, 449350, 644457, 1683603, 1224348, others]. While this variant has not been reported in affected individuals in the literature, a different amino acid change at the same amino acid (p.Gly442Glu) has been reported in two individuals with OsteogenesisImperfecta type IV [PMID:27509835, 11317364]. While this variant is absent in population databases, affects a Glycine residue within a Gly-X-Y repeat in the triple helical domain of COL1A2, and a different amino acid change at the same position has been reported in affected individuals, the presence of this variant in the unaffected parent in this case results in uncertainty regarding its pathogenicity. Given all of the available evidence, the inherited c.1324G>T, p.(Gly442Trp) variant identified in the COL1A2 gene is reported as a Variant of Uncertain Significance.

NM_000089.4(COL1A2):c.1324G>T (p.Gly442Trp)

Gene: COL1A2 (collagen type I alpha 2 chain; plus strand). Cytogenetic location: 7q21.3.
Variant type: single nucleotide variant.
Coding change: c.1324G>T on transcript NM_000089.4 (MANE Select); coding-DNA position 1324, G replaced by T.
Protein change: p.Gly442Trp; replaces glycine 442 with tryptophan.
Molecular consequence: missense variant.
Genome position (GRCh38, 1-based): chr7:94,411,128, G>T. VCF-style: chr7-94411128-G-T. GRCh37 (hg19) VCF-style: chr7-94040440-G-T.
Other names: short protein forms G442W.
Identifiers: ClinVar variation 4888337 (VCV004888337.1).